The following is an entry in ClinVar:

ClinVar aggregate classification (germline): Benign (1 of 4 stars; one submission).

Allele frequency attached by ClinVar (database versions not stated): 1000 Genomes Project 0.45687; 1000 Genomes Project 30x 0.46768; gnomAD 0.50731 and 0.51719; TOPMed 0.51812.

Submission:

GeneDx
Classification: Benign. Last evaluated: 2018-06-14. Review status: criteria provided, single submitter. Criteria: GeneDx Variant Classification (06012015). Collection method: clinical testing. Allele origin: germline. Affected: yes.
Comment: This variant is considered likely benign or benign based on one or more of the following criteria: it is a conservative change, it occurs at a poorly conserved position in the protein, it is predicted to be benign by multiple in silico algorithms, and/or has population frequency not consistent with disease.

NM_153033.5(KCTD7):c.494-149G>C

Gene: KCTD7 (potassium channel tetramerization domain containing 7; plus strand). Cytogenetic location: 7q11.21.
Variant type: single nucleotide variant.
Coding change: c.494-149G>C on transcript NM_153033.5 (MANE Select); 149 bases into the intron before coding-DNA position 494, G replaced by C.
Molecular consequence: intron variant.
Genome position (GRCh38, 1-based): chr7:66,638,707, G>C. VCF-style: chr7-66638707-G-C. GRCh37 (hg19) VCF-style: chr7-66103694-G-C.
Other names: c.494-149G>C (NM_001167961.2).
Identifiers: ClinVar variation 682434 (VCV000682434.1), dbSNP rs1860470, ClinGen allele CA12510040.
Genomic context (GRCh38, chr7:66,638,707, plus strand): 5'-AGCCCTCGTCCCATTGGCTTCCCTTTGCTGTGGAGAACCGTGACCCTTGTTTAAGTTTGT[G>C]CCCTTCATTGGCCCCCTGAGTCCCTTCCCCGGGAAATCTGTCTTTCCCCTCCTGCATCCT-3'